The following is an entry in ClinVar:

ClinVar aggregate classification (germline): Pathogenic. Review status: criteria provided, multiple submitters, no conflicts (2 of 4 stars). 3 submissions from 3 submitters: Pathogenic (2). 1 of the submissions does not count toward it. Last evaluated 2023-03-14.

Conditions:
Retinal dystrophy. Also called: Inherited retinal dystrophy. Identifiers: Orphanet 71862, MedGen C0854723, MeSH D058499, MONDO:0019118, HP:0000556.

Submissions (3):

Labcorp Genetics (formerly Invitae), Labcorp
Classification: Pathogenic. Last evaluated: 2023-03-14. Review status: criteria provided, single submitter. Criteria: Invitae Variant Classification Sherloc (09022015). Collection method: clinical testing. Allele origin: germline.
Comment: This missense change has been observed in individuals with clinical features of autosomal dominant Best vitelliform macular dystrophy (PMID: 10854112; Invitae). This sequence change replaces aspartic acid, which is acidic and polar, with asparagine, which is neutral and polar, at codon 301 of the BEST1 protein (p.Asp301Asn). This variant is not present in population databases (gnomAD no frequency). ClinVar contains an entry for this variant (Variation ID: 99771). Advanced modeling of protein sequence and biophysical properties (such as structural, functional, and spatial information, amino acid conservation, physicochemical variation, residue mobility, and thermodynamic stability) performed at Invitae indicates that this missense variant is expected to disrupt BEST1 protein function. Experimental studies have shown that this missense change affects BEST1 function (PMID: 19029375, 19372599). This variant disrupts the p.Asp301 amino acid residue in BEST1. Other variant(s) that disrupt this residue have been determined to be pathogenic (PMID: 10331951, 11904445, 18844018, 29115605). This suggests that this residue is clinically significant, and that variants that disrupt this residue are likely to be disease-causing. For these reasons, this variant has been classified as Pathogenic.

Institute of Human Genetics, Univ. Regensburg, Univ. Regensburg
Classification: Pathogenic for Retinal dystrophy. Last evaluated: 2008-01-01. Review status: criteria provided, single submitter. Criteria: ACMG Guidelines, 2015. Collection method: clinical testing. Allele origin: germline. Affected: yes.

Retina International
No classification provided. Review status: no classification provided. Collection method: not provided. Allele origin: not provided. Not counted in ClinVar's aggregate classification.

Literature cited by the submitters: PubMed 10854112 (cited by Labcorp Genetics (formerly Invitae), Labcorp and Institute of Human Genetics, Univ. Regensburg, Univ. Regensburg); PubMed 19029375 (cited by Labcorp Genetics (formerly Invitae), Labcorp); PubMed 19372599 (cited by Labcorp Genetics (formerly Invitae), Labcorp); PubMed 10331951 (cited by Labcorp Genetics (formerly Invitae), Labcorp); PubMed 11904445 (cited by Labcorp Genetics (formerly Invitae), Labcorp); PubMed 18844018 (cited by Labcorp Genetics (formerly Invitae), Labcorp); PubMed 29115605 (cited by Labcorp Genetics (formerly Invitae), Labcorp); PubMed 1937259 (cited by Institute of Human Genetics, Univ. Regensburg, Univ. Regensburg).

NM_004183.4(BEST1):c.901G>A (p.Asp301Asn)

Gene: BEST1 (bestrophin 1; plus strand). Cytogenetic location: 11q12.3.
Variant type: single nucleotide variant.
Coding change: c.901G>A on transcript NM_004183.4 (MANE Select); coding-DNA position 901, G replaced by A.
Protein change: p.Asp301Asn; replaces aspartic acid 301 with asparagine.
Molecular consequence: missense variant. On other transcripts: synonymous variant (1), non-coding transcript variant (1), intron variant (1).
Genome position (GRCh38, 1-based): chr11:61,959,531, G>A. VCF-style: chr11-61959531-G-A. GRCh37 (hg19) VCF-style: chr11-61727003-G-A.
Other names: c.721G>A, p.Asp241Asn (NM_001139443.3, NM_001300787.2); c.583G>A, p.Asp195Asn (NM_001363591.3); c.1104G>A, p.Arg368= (NM_001363592.2); c.-72G>A (NM_001363593.3); c.688-361G>A (NM_001300786.2); short protein forms D301N, D195N, D241N.
Identifiers: ClinVar variation 99771 (VCV000099771.6), dbSNP rs281865259, ClinGen allele CA227842.